The following is an entry in ClinVar:

NM_000719.7(CACNA1C):c.5444+709_5444+715del

Genes: CACNA1C (calcium voltage-gated channel subunit alpha1 C; plus strand), CACNA1C-AS1 (CACNA1C antisense RNA 1; minus strand). Cytogenetic location: 12p13.33.
Variant type: Deletion.
Coding change: c.5444+709_5444+715del on transcript NM_000719.7 (MANE Select); bases 709 to 715 of the intron after coding-DNA position 5444, 7 bases deleted (GCTTCAC; older notation c.5444+709_5444+715delGCTTCAC).
Molecular consequence: intron variant. On other transcripts: frameshift variant (1).
Genome position (GRCh38, 1-based): chr12:2,680,505-2,680,511, GCTTCAC deleted; deleting any 7 consecutive bases within chr12:2,680,502-2,680,511 gives the same sequence; the c. name uses the placement nearest the transcript's 3' end. VCF-style (leftmost placement, unchanged base first): chr12-2680501-CCACGCTT-C. GRCh37 (hg19) VCF-style: chr12-2789667-CCACGCTT-C.
Other names: c.5554_5560del7 (NM_001167625.1); c.5444+709_5444+715del (NM_001167623.2, NM_001129840.2, NM_001129842.2 and 4 more transcripts); c.5588+709_5588+715del (NM_199460.4, NM_001129827.2); c.5504+709_5504+715del (NM_001129832.2); c.5528+709_5528+715del (NM_001129831.2); c.5501+709_5501+715del (NM_001129833.2, NM_001129834.2, NM_001129835.2); c.5567+709_5567+715del (NM_001129829.2); c.5468+709_5468+715del (NM_001129837.2, NM_001129838.2); and 6 more; short protein forms A1852fs.
Identifiers: ClinVar variation 3354392 (VCV003354392.6), dbSNP rs542995722.

ClinVar aggregate classification (germline): Conflicting classifications of pathogenicity. Review status: criteria provided, conflicting classifications (1 of 4 stars). 4 submissions from 4 submitters: Uncertain significance (1); Likely benign (2). 1 of the submissions does not count toward it. Last evaluated 2026-03-27.

Conditions:
CACNA1C-related disorder. Also called: CACNA1C-related disorders; CACNA1C-related condition. Identifiers: MedGen CN381092, MONDO:0700321.

Submissions (4):

Molecular Diagnostic Laboratory for Inherited Cardiovascular Disease, Montreal Heart Institute
Classification: Likely benign. Last evaluated: 2026-03-27. Review status: criteria provided, single submitter. Criteria: ACMG Guidelines, 2015. Collection method: clinical testing. Allele origin: germline. Affected: no.
Comment: BS1

CeGaT Center for Human Genetics Tuebingen
Classification: Likely benign. Last evaluated: 2026-03-01. Review status: criteria provided, single submitter. Criteria: CeGaT Center For Human Genetics Tuebingen Variant Classification Criteria Version 2. Collection method: clinical testing. Allele origin: germline. Affected: yes. Observed: 1 variant allele.
Comment: CACNA1C: BS1

GeneDx
Classification: Uncertain significance. Last evaluated: 2024-04-18. Review status: criteria provided, single submitter. Criteria: GeneDx Variant Classification Process June 2021. Collection method: clinical testing. Allele origin: germline. Affected: yes.
Comment: Has not been previously published as pathogenic or benign to our knowledge; Frameshift variant predicted to result in protein truncation or nonsense mediated decay in a gene for which loss-of-function is not a known mechanism of disease; Not observed at significant frequency in large population cohorts (gnomAD); Reported using an alternate transcript of the gene

PreventionGenetics, part of Exact Sciences
Classification: Uncertain significance for CACNA1C-related condition. Last evaluated: 2024-03-27. Review status: no assertion criteria provided. Collection method: clinical testing. Allele origin: germline. Not counted in ClinVar's aggregate classification.
Comment: The CACNA1C c.5554_5560del7 variant is predicted to result in a frameshift and premature protein termination (p.Ala1852Cysfs*7). To our knowledge, this variant has not been reported in the literature. This variant is reported in 0.10% of alleles in individuals of African descent in gnomAD. In a different transcript (NM_000719), this variant is also designated c.5444+709_5444+715del and is deep intronic. The majority of pathogenic variants resulting in CACNA1C loss of function have been reported in NM_000719 (see for example, Rodan et al. 2021. PubMed ID: 34163037 ). Therefore, while frameshift variants in CACNA1C are expected to be pathogenic, we interpret the clinical significance of this variant as uncertain due to the absence of conclusive functional and genetic evidence as a deep intronic variant.